The following is an entry in ClinVar:

NM_015135.3(NUP205):c.672C>T (p.Cys224=)

Gene: NUP205 (nucleoporin 205; plus strand). Cytogenetic location: 7q33.
Variant type: single nucleotide variant.
Coding change: c.672C>T on transcript NM_015135.3 (MANE Select); coding-DNA position 672, C replaced by T.
Protein change: p.Cys224=; no amino-acid change (cysteine 224 retained).
Molecular consequence: synonymous variant. On other transcripts: 5 prime UTR variant (1).
Genome position (GRCh38, 1-based): chr7:135,577,819, C>T. VCF-style: chr7-135577819-C-T. GRCh37 (hg19) VCF-style: chr7-135262567-C-T.
Other names: c.-414C>T (NM_001329434.2).
Identifiers: ClinVar variation 4989920 (VCV004989920.1).

ClinVar aggregate classification (germline): Likely benign (1 of 4 stars; one submission).

Conditions:
NUP205-related disorder. Also called: NUP205-related condition.

gnomAD v4.1: 24 of 1,613,760 alleles (0.0015%); highest among the groups gnomAD compares: Admixed American, 0.017%; no homozygotes.

Submission:

PreventionGenetics, part of Exact Sciences
Classification: Likely benign for NUP205-related condition. Last evaluated: 2026-05-18. Review status: criteria provided, single submitter. Criteria: ACMG Guidelines, 2015. Collection method: clinical testing. Allele origin: germline.
Comment: This variant is classified as likely benign based on ACMG/AMP sequence variant interpretation guidelines (Richards et al. 2015 PMID: 25741868, with internal and published modifications).